The following is an entry in ClinVar:

ClinVar aggregate classification (germline): Uncertain significance (1 of 4 stars; one submission).

Allele frequency attached by ClinVar (database versions not stated): TOPMed below 0.00001.

Submission:

Labcorp Genetics (formerly Invitae), Labcorp
Classification: Uncertain significance. Last evaluated: 2021-07-24. Review status: criteria provided, single submitter. Criteria: Invitae Variant Classification Sherloc (09022015). Collection method: clinical testing. Allele origin: germline.
Comment: In summary, the available evidence is currently insufficient to determine the role of this variant in disease. Therefore, it has been classified as a Variant of Uncertain Significance. Algorithms developed to predict the effect of missense changes on protein structure and function (SIFT, PolyPhen-2, Align-GVGD) all suggest that this variant is likely to be tolerated. This variant has not been reported in the literature in individuals affected with PLAA-related conditions. This variant is not present in population databases (ExAC no frequency). This sequence change replaces glutamic acid with lysine at codon 539 of the PLAA protein (p.Glu539Lys). The glutamic acid residue is moderately conserved and there is a small physicochemical difference between glutamic acid and lysine.

NM_001031689.3(PLAA):c.1615G>A (p.Glu539Lys)

Gene: PLAA (phospholipase A2 activating protein; minus strand). Cytogenetic location: 9p21.2.
Variant type: single nucleotide variant.
Coding change: c.1615G>A on transcript NM_001031689.3 (MANE Select); coding-DNA position 1615, G replaced by A.
Protein change: p.Glu539Lys; replaces glutamic acid 539 with lysine.
Molecular consequence: missense variant.
Genome position (GRCh38, 1-based): chr9:26,910,380, C>T on the plus strand (G>A on the coding strand, the complement: PLAA is on the minus strand). VCF-style: chr9-26910380-C-T. GRCh37 (hg19) VCF-style: chr9-26910378-C-T.
Other names: c.1546G>A, p.Glu516Lys (NM_001321546.2); short protein forms E539K, E516K.
Identifiers: ClinVar variation 1398439 (VCV001398439.8), dbSNP rs1824362537, ClinGen allele CA373129949.